The following is an entry in ClinVar:

NM_001330700.2(TOP2B):c.712A>G (p.Ile238Val)

Gene: TOP2B (DNA topoisomerase II beta; minus strand). Cytogenetic location: 3p24.2.
Variant type: single nucleotide variant.
Coding change: c.712A>G on transcript NM_001330700.2 (MANE Select); coding-DNA position 712, A replaced by G.
Protein change: p.Ile238Val; replaces isoleucine 238 with valine.
Molecular consequence: missense variant.
Genome position (GRCh38, 1-based): chr3:25,636,076, T>C on the plus strand (A>G on the coding strand, the complement: TOP2B is on the minus strand). VCF-style: chr3-25636076-T-C. GRCh37 (hg19) VCF-style: chr3-25677567-T-C.
Other names: c.697A>G, p.Ile233Val (NM_001068.3); short protein forms I233V, I238V.
Identifiers: ClinVar variation 1408356 (VCV001408356.7), dbSNP rs765141504, ClinGen allele CA2288847.

ClinVar aggregate classification (germline): Uncertain significance. Review status: criteria provided, multiple submitters, no conflicts (2 of 4 stars). 2 submissions from 2 submitters: Uncertain significance (2). Last evaluated 2025-12-15.

Allele frequency attached by ClinVar (database versions not stated): gnomAD exomes below 0.00001; TOPMed 0.00001; ExAC 0.00001.
gnomAD v4.1: 1 of 1,612,800 alleles (0.000062%); highest among the groups gnomAD compares: South Asian, 0.0011%; no homozygotes.

Submissions (2):

Labcorp Genetics (formerly Invitae), Labcorp
Classification: Uncertain significance. Last evaluated: 2025-12-15. Review status: criteria provided, single submitter. Criteria: Invitae Variant Classification Sherloc (09022015). Collection method: clinical testing. Allele origin: germline.
Comment: This sequence change replaces isoleucine, which is neutral and non-polar, with valine, which is neutral and non-polar, at codon 233 of the TOP2B protein (p.Ile233Val). This variant is present in population databases (rs765141504, gnomAD 0.006%). This variant has not been reported in the literature in individuals affected with TOP2B-related conditions. ClinVar contains an entry for this variant (Variation ID: 1408356). An algorithm developed to predict the effect of missense changes on protein structure and function (PolyPhen-2) suggests that this variant is likely to be tolerated. In summary, the available evidence is currently insufficient to determine the role of this variant in disease. Therefore, it has been classified as a Variant of Uncertain Significance.

Breakthrough Genomics
Classification: Uncertain significance. Review status: criteria provided, single submitter. Criteria: ACMG Guidelines, 2015. Collection method: not provided. Allele origin: germline. Inheritance: Autosomal dominant inheritance. Affected: yes.